The following is an entry in ClinVar:

ClinVar aggregate classification (germline): Uncertain significance (1 of 4 stars; one submission).

Conditions:
Reticular dysgenesis. Also called: ALEUKOCYTOSIS; CONGENITAL ALEUKIA; HEMATOPOIETIC HYPOPLASIA, GENERALIZED; RETICULAR DYSGENESIA; SEVERE COMBINED IMMUNODEFICIENCY WITH LEUKOPENIA; DeVaal disease. Identifiers: Orphanet 33355, MedGen C0272167, MONDO:0009973, OMIM 267500.

Allele frequency attached by ClinVar (database versions not stated): gnomAD exomes 0.00001 and 0.00002; TOPMed 0.00003; gnomAD 0.00004.
gnomAD v4.1: 12 of 1,613,940 alleles (0.00074%); highest among the groups gnomAD compares: Admixed American, 0.02%; no homozygotes.

Submission:

Labcorp Genetics (formerly Invitae), Labcorp
Classification: Uncertain significance for Reticular dysgenesis. Last evaluated: 2022-08-31. Review status: criteria provided, single submitter. Criteria: Invitae Variant Classification Sherloc (09022015). Collection method: clinical testing. Allele origin: germline.
Comment: This sequence change replaces lysine, which is basic and polar, with glutamic acid, which is acidic and polar, at codon 117 of the AK2 protein (p.Lys117Glu). This variant is present in population databases (no rsID available, gnomAD 0.01%). This variant has not been reported in the literature in individuals affected with AK2-related conditions. ClinVar contains an entry for this variant (Variation ID: 1422932). Algorithms developed to predict the effect of missense changes on protein structure and function are either unavailable or do not agree on the potential impact of this missense change (SIFT: "Tolerated"; PolyPhen-2: "Possibly Damaging"; Align-GVGD: "Class C0"). In summary, the available evidence is currently insufficient to determine the role of this variant in disease. Therefore, it has been classified as a Variant of Uncertain Significance.

NM_001625.4(AK2):c.349A>G (p.Lys117Glu)

Gene: AK2 (adenylate kinase 2; minus strand). Cytogenetic location: 1p35.1.
Variant type: single nucleotide variant.
Coding change: c.349A>G on transcript NM_001625.4 (MANE Select); coding-DNA position 349, A replaced by G.
Protein change: p.Lys117Glu; replaces lysine 117 with glutamic acid.
Molecular consequence: missense variant. On other transcripts: intron variant (1).
Genome position (GRCh38, 1-based): chr1:33,021,443, T>C on the plus strand (A>G on the coding strand, the complement: AK2 is on the minus strand). VCF-style: chr1-33021443-T-C. GRCh37 (hg19) VCF-style: chr1-33487044-T-C.
Other names: c.349A>G, p.Lys117Glu (NM_001199199.3, NM_001319141.3, NM_013411.5); c.205A>G, p.Lys69Glu (NM_001319139.3, NM_001319140.2); c.223A>G, p.Lys75Glu (NM_001319142.3); c.330+150A>G (NM_001319143.2); short protein forms K117E, K69E, K75E.
Identifiers: ClinVar variation 1422932 (VCV001422932.5), dbSNP rs1340710121, ClinGen allele CA339702098.